The following is an entry in ClinVar:

ClinVar aggregate classification (germline): Uncertain significance (1 of 4 stars; one submission).

Conditions:
Myopathy, centronuclear, 2 (CNM2). Also called: MYOTUBULAR MYOPATHY, AUTOSOMAL RECESSIVE. Identifiers: Orphanet 169186, MedGen CN031787, MONDO:0009709, OMIM 255200.

Submission:

Labcorp Genetics (formerly Invitae), Labcorp
Classification: Uncertain significance for Myopathy, centronuclear, 2. Last evaluated: 2024-09-14. Review status: criteria provided, single submitter. Criteria: Invitae Variant Classification Sherloc (09022015). Collection method: clinical testing. Allele origin: germline.
Comment: This sequence change replaces valine, which is neutral and non-polar, with leucine, which is neutral and non-polar, at codon 239 of the BIN1 protein (p.Val239Leu). This variant is not present in population databases (gnomAD no frequency). This variant has not been reported in the literature in individuals affected with BIN1-related conditions. Invitae Evidence Modeling of protein sequence and biophysical properties (such as structural, functional, and spatial information, amino acid conservation, physicochemical variation, residue mobility, and thermodynamic stability) indicates that this missense variant is expected to disrupt BIN1 protein function with a positive predictive value of 80%. In summary, the available evidence is currently insufficient to determine the role of this variant in disease. Therefore, it has been classified as a Variant of Uncertain Significance.

NM_139343.3(BIN1):c.715G>C (p.Val239Leu)

Gene: BIN1 (bridging integrator 1; minus strand). Cytogenetic location: 2q14.3.
Variant type: single nucleotide variant.
Coding change: c.715G>C on transcript NM_139343.3 (MANE Select); coding-DNA position 715, G replaced by C.
Protein change: p.Val239Leu; replaces valine 239 with leucine.
Molecular consequence: missense variant.
Genome position (GRCh38, 1-based): chr2:127,063,630, C>G on the plus strand (G>C on the coding strand, the complement: BIN1 is on the minus strand). VCF-style: chr2-127063630-C-G. GRCh37 (hg19) VCF-style: chr2-127821206-C-G.
Other names: c.622G>C, p.Val208Leu (NM_001320632.2, NM_001320641.2, NM_004305.4 and 6 more transcripts); c.715G>C, p.Val239Leu (NM_001320633.2, NM_001320640.2, NM_139344.3 and 1 more transcripts); c.550G>C, p.Val184Leu (NM_001320634.1); c.634G>C, p.Val212Leu (NM_001320642.1); short protein forms V208L, V184L, V212L, V239L.
Identifiers: ClinVar variation 3665194 (VCV003665194.2).